The following is an entry in ClinVar:

NM_000492.4(CFTR):c.2988G>A (p.Gln996=)

Genes: CFTR-AS2 (CFTR antisense RNA 2; minus strand), CFTR (CF transmembrane conductance regulator; plus strand). Cytogenetic location: 7q31.2.
Variant type: single nucleotide variant.
Coding change: c.2988G>A on transcript NM_000492.4 (MANE Select); coding-DNA position 2988, G replaced by A.
Protein change: p.Gln996=; no amino-acid change (glutamine 996 retained).
Molecular consequence: synonymous variant.
Genome position (GRCh38, 1-based): chr7:117,606,753, G>A. VCF-style: chr7-117606753-G-A. GRCh37 (hg19) VCF-style: chr7-117246807-G-A.
Other names: 3120G->A.
Identifiers: ClinVar variation 35857 (VCV000035857.40), dbSNP rs121908797, ClinGen allele CA221019.

ClinVar aggregate classification (germline): Pathogenic. Review status: reviewed by expert panel (3 of 4 stars). 15 submissions from 14 submitters: Pathogenic (1). 14 of the submissions do not count toward it. Last evaluated 2017-03-17.

Conditions:
CFTR-related disorder (CFTR-RD). Also called: CFTR-related disorders; CFTR-related condition. Identifiers: MedGen C5924204, MONDO:7770004.
Congenital bilateral aplasia of vas deferens from CFTR mutation (CBAVD). Identifiers: Orphanet 48, MedGen C0403814, MONDO:0010178, OMIM 277180. Disease mechanism: loss of function.
Cystic fibrosis (CF). Also called: MUCOVISCIDOSIS. Identifiers: Orphanet 586, MedGen C0010674, MONDO:0009061, OMIM 219700. Disease mechanism: loss of function.
Bronchiectasis with or without elevated sweat chloride 1 (BESC1). Also called: Cystic Fibrosis-Like Syndrome. Identifiers: Orphanet 60033, MedGen C2749757, MONDO:0008887, OMIM 211400.

Allele frequency attached by ClinVar (database versions not stated): gnomAD 0.00003 and 0.00004; gnomAD exomes below 0.00001; TOPMed 0.00002.
gnomAD v4.1: 11 of 1,527,958 alleles (0.00072%); highest among the groups gnomAD compares: Non-Finnish European, 0.001%; no homozygotes.

Submissions 1 to 10 of 15:

CFTR2
Classification: Pathogenic for Cystic fibrosis. Last evaluated: 2017-03-17. Review status: reviewed by expert panel. Criteria: Sosnay PR et al. (Nat Genet 2013). Collection method: research. Allele origin: germline. Affected: yes. Study: CFTR2.

Labcorp Genetics (formerly Invitae), Labcorp
Classification: Pathogenic for Cystic fibrosis. Last evaluated: 2025-11-17. Review status: criteria provided, single submitter. Criteria: Invitae Variant Classification Sherloc (09022015). Collection method: clinical testing. Allele origin: germline. Not counted in ClinVar's aggregate classification.
Comment: This sequence change affects codon 996 of the CFTR mRNA. It is a 'silent' change, meaning that it does not change the encoded amino acid sequence of the CFTR protein. This variant also falls at the last nucleotide of exon 18, which is part of the consensus splice site for this exon. This variant is present in population databases (rs121908797, gnomAD 0.002%). This variant has been observed in individuals with clinical features of cystic fibrosis (PMID: 16436646, 23974870). This variant is also known as 3120G>A. ClinVar contains an entry for this variant (Variation ID: 35857). Variants that disrupt the consensus splice site are a relatively common cause of aberrant splicing (PMID: 17576681, 9536098). Studies have shown that this variant alters mRNA splicing and is expected to lead to the loss of protein expression (PMID: 23974870, 25066652). For these reasons, this variant has been classified as Pathogenic.

Natera, Inc.
Classification: Pathogenic for CFTR-related disorders. Last evaluated: 2025-11-10. Review status: criteria provided, single submitter. Criteria: Natera Variant Classification Schema (03/2026). Collection method: clinical testing. Allele origin: germline. Not counted in ClinVar's aggregate classification.
Comment: The c.2988G>A variant in CFTR is a synonymous variant that does not alter the encoded amino acid at position 996 (p.Q996=). This variant is rare in the general population with a frequency below the threshold expected for the associated phenotype(s). This variant has been observed in one or more individuals affected with the associated recessive disease, as either homozygous or compound heterozygous with a second variant (PMID: 34086412, 11897641, 26087176, 7472820, 12865275). Given the available evidence, this variant is classified as Pathogenic.

Ambry Genetics
Classification: Pathogenic for Cystic fibrosis. Last evaluated: 2025-09-26. Review status: criteria provided, single submitter. Criteria: Ambry Variant Classification Scheme 2023. Collection method: clinical testing. Allele origin: germline. Not counted in ClinVar's aggregate classification.
Comment: The c.2988G>A pathogenic mutation (also known as c.3120G>A and p.Q996Q), located in coding exon 18 of the CFTR gene, results from a G to A substitution at nucleotide position 2988. This nucleotide substitution does not change the amino acid at codon 996. However, this change occurs in the last base pair of coding exon 18, which makes it likely to have some effect on normal mRNA splicing. In one study, this variant produces transcripts that skip exon 18 with no detectable CFTR protein via a mini gene assay (Sharma N et al. Hum. Mutat., 2014 Oct;35:1249-59). This variant has been identified in the homozygous state and/or in conjunction with other CFTR variant(s) in individual(s) with features consistent with cystic fibrosis (Wilschanski M et al. J. Pediatr., 1995 Nov;127:705-10; Heaney DL et al. J Mol Diagn, 2006 Feb;8:137-40). This variant is associated with increased sweat chloride levels, varying presentations of pancreatic insufficiency, and decreased lung function (Sosnay PR et al. Nat. Genet., 2013 Oct;45:1160-7). This nucleotide position is highly conserved in available vertebrate species. In silico splice site analysis predicts that this alteration will weaken the native splice donor site. Based on the supporting evidence, this alteration is interpreted as a disease-causing mutation.

ARUP Laboratories, Molecular Genetics and Genomics, ARUP Laboratories
Classification: Pathogenic. Last evaluated: 2023-09-11. Review status: criteria provided, single submitter. Criteria: ARUP Molecular Germline Variant Investigation Process 2024. Collection method: clinical testing. Allele origin: germline. Not counted in ClinVar's aggregate classification.
Comment: The CFTR c.2988G>A; p.Gln996= variant (rs121908797), also known as 3120G>A for traditional nomenclature, is reported in multiple individuals with cystic fibrosis, though with varying pancreatic sufficiency (CFTR2 database, Sosnay 2013, Wilschanski 1995). Functional characterization of the variant indicates splicing defects leading to the absence of full-length mRNA and the generation of an aberrant transcript (Sharma 2014, Sosnay 2013, Wilschanski 1995). This variant is also reported in ClinVar (Variation ID: 35857). It is only observed on two alleles in the Genome Aggregation Database, indicating it is not a common polymorphism. This is a synonymous variant in a highly conserved nucleotide, and computational analyses (Alamut v.2.11) predict that this variant weakens the nearby canonical donor splice site, consistent with functional studies. Based on available information, this variant is considered to be pathogenic. REFERENCES CFTR2 database: Sharma N et al. Experimental assessment of splicing variants using expression minigenes and comparison with in silico predictions. Hum Mutat. 2014 Oct;35(10):1249-59. PMID: 25066652. Sosnay PR et al. Defining the disease liability of variants in the cystic fibrosis transmembrane conductance regulator gene. Nat Genet. 2013 Oct;45(10):1160-7. PMID: 23974870. Wilschanski M et al. Correlation of sweat chloride concentration with classes of the cystic fibrosis transmembrane conductance regulator gene mutations. J Pediatr. 1995 Nov;127(5):705-10. PMID: 7472820.

Baylor Genetics
Classification: Pathogenic for Bronchiectasis with or without elevated sweat chloride 1. Last evaluated: 2023-09-05. Review status: criteria provided, single submitter. Criteria: ACMG Guidelines, 2015. Collection method: clinical testing. Allele origin: unknown. Not counted in ClinVar's aggregate classification.

Institute of Human Genetics, University of Leipzig Medical Center
Classification: Pathogenic for Cystic fibrosis. Last evaluated: 2022-09-05. Review status: criteria provided, single submitter. Criteria: ACMG Guidelines, 2015. Collection method: curation. Allele origin: unknown. Affected: yes. Observed: 1 variant allele. Not counted in ClinVar's aggregate classification.
Comment: The variant was classified in the context of a project re-classifying variants in the German Cystic Fibrosis Registry (Muko.e.V.). Criteria applied: PS3_SUP, PM2_SUP, PM3_VSTR, PP3

Mayo Clinic Laboratories, Mayo Clinic
Classification: Pathogenic. Last evaluated: 2021-07-13. Review status: criteria provided, single submitter. Criteria: ACMG Guidelines, 2015. Collection method: clinical testing. Allele origin: germline. Not counted in ClinVar's aggregate classification.
Comment: PVS1, PS3, PM2, PM3

Johns Hopkins Genomics, Johns Hopkins University
Classification: Pathogenic for Cystic fibrosis. Last evaluated: 2021-01-25. Review status: criteria provided, single submitter. Criteria: ACMG Guidelines, 2015. Collection method: clinical testing. Allele origin: germline. Not counted in ClinVar's aggregate classification.

Women's Health and Genetics/Laboratory Corporation of America, LabCorp
Classification: Pathogenic for Cystic fibrosis. Last evaluated: 2020-08-07. Review status: criteria provided, single submitter. Criteria: LabCorp Variant Classification Summary - May 2015. Collection method: clinical testing. Allele origin: germline. Not counted in ClinVar's aggregate classification.
Comment: Variant summary: CFTR c.2988G>A (p.Gln996Gln) alters a last conserved nucleotide located at the end of exon 18 adjacent to a canonical splice donor site and therefore could affect mRNA splicing, leading to a significantly altered protein sequence. Several computational tools predict a significant impact on normal splicing: Four predict the variant weakens the canonical 5' donor site. Several publications report experimental evidence that this variant affects mRNA splicing resulting in skipping of exon 18 (legacy exon 16) (example, Zielendki_1994 (unpublished abstract), Sosnay_2013). The variant allele was found at a frequency of 4e-06 in 251008 control chromosomes. c.2988G>A has been widely reported in the literature in multiple individuals affected with Cystic Fibrosis (example, Sosnay_2013). These data indicate that the variant is very likely to be associated with disease. Four clinical diagnostic laboratories and one expert panel (CFTR2) have submitted clinical-significance assessments for this variant to ClinVar after 2014 without evidence for independent evaluation. All submitters have classified the variant as pathogenic. Based on the evidence outlined above, the variant was classified as pathogenic.